The following is an entry in ClinVar:

NM_000388.4(CASR):c.2846C>A (p.Thr949Asn)

Gene: CASR (calcium sensing receptor; plus strand). Cytogenetic location: 3q21.1.
Variant type: single nucleotide variant.
Coding change: c.2846C>A on transcript NM_000388.4 (MANE Select); coding-DNA position 2846, C replaced by A.
Protein change: p.Thr949Asn; replaces threonine 949 with asparagine.
Molecular consequence: missense variant.
Genome position (GRCh38, 1-based): chr3:122,284,800, C>A. VCF-style: chr3-122284800-C-A. GRCh37 (hg19) VCF-style: chr3-122003647-C-A.
Other names: c.2876C>A, p.Thr959Asn (NM_001178065.2); c.2846C>A (NM_000388.3); short protein forms T949N, T959N.
Identifiers: ClinVar variation 2950149 (VCV002950149.4), dbSNP rs2473282263, ClinGen allele CA354160897.

ClinVar aggregate classification (germline): Uncertain significance. Review status: criteria provided, multiple submitters, no conflicts (2 of 4 stars). 2 submissions from 2 submitters: Uncertain significance (2). Last evaluated 2023-08-29.

Conditions:
Autosomal dominant hypocalcemia 1 (HYPOC1). Also called: HYPOCALCEMIA, FAMILIAL. Identifiers: MedGen C3715128, MONDO:0011013, OMIM 601198.
Familial hypocalciuric hypercalcemia (FHH). Also called: Familial benign hypercalcemia. Identifiers: Orphanet 405, MedGen C1809471, MONDO:0018458.
Nephrolithiasis/nephrocalcinosis. Identifiers: MedGen CN580796.

Submissions (2):

Ambry Genetics
Classification: Uncertain significance for Nephrolithiasis/nephrocalcinosis. Last evaluated: 2023-08-29. Review status: criteria provided, single submitter. Criteria: Ambry Variant Classification Scheme 2023. Collection method: clinical testing. Allele origin: germline.
Comment: The p.T949N variant (also known as c.2846C>A), located in coding exon 6 of the CASR gene, results from a C to A substitution at nucleotide position 2846. The threonine at codon 949 is replaced by asparagine, an amino acid with similar properties. This amino acid position is conserved. In addition, this alteration is predicted to be tolerated by in silico analysis. Since supporting evidence is limited at this time, the clinical significance of this alteration remains unclear.

Labcorp Genetics (formerly Invitae), Labcorp
Classification: Uncertain significance for Familial hypocalciuric hypercalcemia; Autosomal dominant hypocalcemia 1. Last evaluated: 2023-07-21. Review status: criteria provided, single submitter. Criteria: Invitae Variant Classification Sherloc (09022015). Collection method: clinical testing. Allele origin: germline.
Comment: This sequence change replaces threonine, which is neutral and polar, with asparagine, which is neutral and polar, at codon 949 of the CASR protein (p.Thr949Asn). This variant is not present in population databases (gnomAD no frequency). This variant has not been reported in the literature in individuals affected with CASR-related conditions. An algorithm developed to predict the effect of missense changes on protein structure and function (PolyPhen-2) suggests that this variant is likely to be tolerated. In summary, the available evidence is currently insufficient to determine the role of this variant in disease. Therefore, it has been classified as a Variant of Uncertain Significance.